The following is an entry in ClinVar:

NM_005502.4(ABCA1):c.721-10del

Gene: ABCA1 (ATP binding cassette subfamily A member 1; minus strand). Cytogenetic location: 9q31.1.
Variant type: Deletion.
Coding change: c.721-10del on transcript NM_005502.4 (MANE Select); 10 bases into the intron before coding-DNA position 721, one base deleted (C; older notation c.721-10delC).
Molecular consequence: intron variant.
Genome position (GRCh38, 1-based): chr9:104,845,579, G deleted on the plus strand (C on the coding strand, the reverse complement: ABCA1 is on the minus strand). VCF-style (leftmost placement, unchanged base first): chr9-104845578-AG-A. GRCh37 (hg19) VCF-style: chr9-107607859-AG-A.
Other names: c.721-10delC (NM_005502.4).
Identifiers: ClinVar variation 2055545 (VCV002055545.6), dbSNP rs572535481, ClinGen allele CA5169231.

ClinVar aggregate classification (germline): Benign. Review status: criteria provided, multiple submitters, no conflicts (2 of 4 stars). 2 submissions from 2 submitters: Benign (2). Last evaluated 2026-01-19.

Allele frequency attached by ClinVar (database versions not stated): gnomAD exomes 0.00010; ExAC 0.00030; gnomAD 0.00098; ESP Exome Variant Server 0.00112; TOPMed 0.00115; 1000 Genomes Project 0.00120.

Submissions (2):

Labcorp Genetics (formerly Invitae), Labcorp
Classification: Benign. Last evaluated: 2026-01-19. Review status: criteria provided, single submitter. Criteria: Invitae Variant Classification Sherloc (09022015). Collection method: clinical testing. Allele origin: germline.

Women's Health and Genetics/Laboratory Corporation of America, LabCorp
Classification: Benign. Last evaluated: 2024-06-10. Review status: criteria provided, single submitter. Criteria: LabCorp Variant Classification Summary - May 2015. Collection method: clinical testing. Allele origin: germline.
Comment: Variant summary: ABCA1 c.721-10delC alters a conserved nucleotide located at a position not widely known to affect splicing. Consensus agreement among computation tools predict no significant impact on normal splicing. However, these predictions have yet to be confirmed by functional studies. The variant allele was found at a frequency of 0.0002 in 249628 control chromosomes, predominantly at a frequency of 0.003 within the African or African-American subpopulation in the gnomAD database. The observed variant frequency within African or African-American control individuals in the gnomAD database is approximately 1.2 fold of the estimated maximal expected allele frequency for a pathogenic variant in ABCA1 causing Tangier Disease phenotype (0.0025). To our knowledge, no occurrence of c.721-10delC in individuals affected with Tangier Disease and no experimental evidence demonstrating its impact on protein function have been reported. ClinVar contains an entry for this variant (Variation ID: 2055545). Based on the evidence outlined above, the variant was classified as benign.